The following is an entry in ClinVar:

ClinVar aggregate classification (germline): Uncertain significance (1 of 4 stars; one submission).

gnomAD v4.1: 3 of 1,614,168 alleles (0.00019%); highest among the groups gnomAD compares: Middle Eastern, 0.033%; no homozygotes.

Submission:

GeneDx
Classification: Uncertain significance. Last evaluated: 2022-09-06. Review status: criteria provided, single submitter. Criteria: GeneDx Variant Classification Process June 2021. Collection method: clinical testing. Allele origin: germline. Affected: yes.
Comment: Not observed at significant frequency in large population cohorts (gnomAD); In silico analysis supports that this missense variant does not alter protein structure/function; Has not been previously published as pathogenic or benign to our knowledge

NM_000128.4(F11):c.666T>A (p.Asp222Glu)

Gene: F11 (coagulation factor XI; plus strand). Cytogenetic location: 4q35.2.
Variant type: single nucleotide variant.
Coding change: c.666T>A on transcript NM_000128.4 (MANE Select); coding-DNA position 666, T replaced by A.
Protein change: p.Asp222Glu; replaces aspartic acid 222 with glutamic acid.
Molecular consequence: missense variant.
Genome position (GRCh38, 1-based): chr4:186,276,301, T>A. VCF-style: chr4-186276301-T-A. GRCh37 (hg19) VCF-style: chr4-187197455-T-A.
Other names: short protein forms D222E.
Identifiers: ClinVar variation 1704948 (VCV001704948.2), dbSNP rs1561483883, ClinGen allele CA358959169.